The following is an entry in ClinVar:

ClinVar aggregate classification (germline): Benign/Likely benign. Review status: criteria provided, multiple submitters, no conflicts (2 of 4 stars). 3 submissions from 3 submitters: Benign (1); Likely benign (2). Last evaluated 2026-04-01.

Allele frequency attached by ClinVar (database versions not stated): gnomAD exomes 0.00016; ExAC 0.00050; gnomAD 0.00131; TOPMed 0.00144; 1000 Genomes Project 0.00319.
gnomAD v4.1: 369 of 1,277,970 alleles (0.029%); highest among the groups gnomAD compares: African/African-American, 0.61%; 2 homozygotes.

Submissions (3):

CeGaT Center for Human Genetics Tuebingen
Classification: Likely benign. Last evaluated: 2026-04-01. Review status: criteria provided, single submitter. Criteria: CeGaT Center For Human Genetics Tuebingen Variant Classification Criteria Version 2. Collection method: clinical testing. Allele origin: germline. Affected: yes. Observed: 1 variant allele.
Comment: DHX37: BP4, BS2

Labcorp Genetics (formerly Invitae), Labcorp
Classification: Benign. Last evaluated: 2025-05-12. Review status: criteria provided, single submitter. Criteria: Invitae Variant Classification Sherloc (09022015). Collection method: clinical testing. Allele origin: germline.

Blueprint Genetics
Classification: Likely benign. Last evaluated: 2024-11-01. Review status: criteria provided, single submitter. Criteria: ACMG Guidelines, 2015. Collection method: clinical testing. Allele origin: germline.

NM_032656.4(DHX37):c.106+7C>A

Genes: DHX37 (DEAH-box helicase 37; minus strand), LOC130009166 (ATAC-STARR-seq lymphoblastoid silent region 5073; plus strand). Cytogenetic location: 12q24.31.
Variant type: single nucleotide variant.
Coding change: c.106+7C>A on transcript NM_032656.4 (MANE Select); 7 bases into the intron after coding-DNA position 106, C replaced by A.
Molecular consequence: intron variant.
Genome position (GRCh38, 1-based): chr12:124,988,910, G>T on the plus strand (C>A on the coding strand, the complement: DHX37 is on the minus strand). VCF-style: chr12-124988910-G-T. GRCh37 (hg19) VCF-style: chr12-125473456-G-T.
Identifiers: ClinVar variation 2059801 (VCV002059801.7), dbSNP rs562587408, ClinGen allele CA6872560.
Genomic context (GRCh38, chr12:124,988,910, plus strand): 5'-CTGAAGGCAGGGCACAGGCCGCCCTGGGAAATCTCCGAAATCCAGCCCCGGTCCGGGGAT[G>T]TCTTACCCTCCAGTTCCAGCTGCACGGGGGGCGGCTCGGGGGGGCCCTTCGAGGGTCCGG-3'